The following is an entry in ClinVar:

ClinVar aggregate classification (germline): Uncertain significance. Review status: criteria provided, multiple submitters, no conflicts (2 of 4 stars). 2 submissions from 2 submitters: Uncertain significance (2). Last evaluated 2026-01-21.

Allele frequency attached by ClinVar (database versions not stated): gnomAD exomes 0.00007; gnomAD 0.00014 and 0.00017; ESP Exome Variant Server 0.00015; TOPMed 0.00015; ExAC 0.00019.
gnomAD v4.1: 51 of 1,539,526 alleles (0.0033%); highest among the groups gnomAD compares: African/African-American, 0.039%; no homozygotes.

Submissions (2):

Labcorp Genetics (formerly Invitae), Labcorp
Classification: Uncertain significance. Last evaluated: 2026-01-21. Review status: criteria provided, single submitter. Criteria: Invitae Variant Classification Sherloc (09022015). Collection method: clinical testing. Allele origin: germline.
Comment: This sequence change replaces serine, which is neutral and polar, with leucine, which is neutral and non-polar, at codon 1368 of the RUSC2 protein (p.Ser1368Leu). This variant is present in population databases (rs370296026, gnomAD 0.05%). This variant has not been reported in the literature in individuals affected with RUSC2-related conditions. ClinVar contains an entry for this variant (Variation ID: 1360577). An algorithm developed to predict the effect of missense changes on protein structure and function outputs the following: PolyPhen-2: "Benign". The leucine amino acid residue is found in multiple mammalian species, which suggests that this missense change does not adversely affect protein function. In summary, the available evidence is currently insufficient to determine the role of this variant in disease. Therefore, it has been classified as a Variant of Uncertain Significance.

Ambry Genetics
Classification: Uncertain significance. Last evaluated: 2025-10-18. Review status: criteria provided, single submitter. Criteria: Ambry Variant Classification Scheme 2023. Collection method: clinical testing. Allele origin: germline.

NM_014806.5(RUSC2):c.4103C>T (p.Ser1368Leu)

Gene: RUSC2 (RUN and SH3 domain containing 2; plus strand). Cytogenetic location: 9p13.3.
Variant type: single nucleotide variant.
Coding change: c.4103C>T on transcript NM_014806.5 (MANE Select); coding-DNA position 4103, C replaced by T.
Protein change: p.Ser1368Leu; replaces serine 1368 with leucine.
Molecular consequence: missense variant. On other transcripts: non-coding transcript variant (1).
Genome position (GRCh38, 1-based): chr9:35,560,743, C>T. VCF-style: chr9-35560743-C-T. GRCh37 (hg19) VCF-style: chr9-35560740-C-T.
Other names: c.4103C>T (NM_001135999.1); c.4103C>T, p.Ser1368Leu (NM_001135999.2); c.1469C>T, p.Ser490Leu (NM_001330740.2); short protein forms S1368L, S490L.
Identifiers: ClinVar variation 1360577 (VCV001360577.7), dbSNP rs370296026, ClinGen allele CA5044296.